The following is an entry in ClinVar:

ClinVar aggregate classification (germline): Uncertain significance (1 of 4 stars; one submission).

Allele frequency attached by ClinVar (database versions not stated): TOPMed 0.00001.
gnomAD v4.1: 2 of 1,592,100 alleles (0.00013%); highest among the groups gnomAD compares: Admixed American, 0.0033%; no homozygotes.

Submission:

Labcorp Genetics (formerly Invitae), Labcorp
Classification: Uncertain significance. Last evaluated: 2022-01-22. Review status: criteria provided, single submitter. Criteria: Invitae Variant Classification Sherloc (09022015). Collection method: clinical testing. Allele origin: germline.
Comment: This sequence change replaces threonine, which is neutral and polar, with isoleucine, which is neutral and non-polar, at codon 86 of the ASAH1 protein (p.Thr86Ile). This variant is not present in population databases (gnomAD no frequency). This variant has not been reported in the literature in individuals affected with ASAH1-related conditions. Algorithms developed to predict the effect of missense changes on protein structure and function output the following: SIFT: "Deleterious"; PolyPhen-2: "Benign"; Align-GVGD: "Class C0". The isoleucine amino acid residue is found in multiple mammalian species, which suggests that this missense change does not adversely affect protein function. In summary, the available evidence is currently insufficient to determine the role of this variant in disease. Therefore, it has been classified as a Variant of Uncertain Significance.

NM_177924.5(ASAH1):c.257C>T (p.Thr86Ile)

Gene: ASAH1 (N-acylsphingosine amidohydrolase 1; minus strand). Cytogenetic location: 8p22.
Variant type: single nucleotide variant.
Coding change: c.257C>T on transcript NM_177924.5 (MANE Select); coding-DNA position 257, C replaced by T.
Protein change: p.Thr86Ile; replaces threonine 86 with isoleucine.
Molecular consequence: missense variant. On other transcripts: intron variant (1).
Genome position (GRCh38, 1-based): chr8:18,069,838, G>A on the plus strand (C>T on the coding strand, the complement: ASAH1 is on the minus strand). VCF-style: chr8-18069838-G-A. GRCh37 (hg19) VCF-style: chr8-17927347-G-A.
Other names: c.62C>T, p.Thr21Ile (NM_001363743.2); c.305C>T, p.Thr102Ile (NM_004315.6); c.285+1462C>T (NM_001127505.3); short protein forms T102I, T86I, T21I.
Identifiers: ClinVar variation 1981817 (VCV001981817.1), dbSNP rs1800086477, ClinGen allele CA370433208.
Genomic context (GRCh38, chr8:18,069,838, plus strand): 5'-ATAATATCTCTTACCAATTTTTCATCCACCACCTGCATAATTTTTCCACTTGGCACGAAT[G>A]TATTTATCATATTCTTCAGAGAATTCACTATAACCTTTAGCTGAAAAATAAATAAAATGC-3'
Protein context (NP_808592.2, residues 76-96): IVNSLKNMIN[Thr86Ile]FVPSGKIMQV